The following is an entry in ClinVar:

ClinVar aggregate classification (germline): Uncertain significance (1 of 4 stars; one submission).

Conditions:
Infantile neuroaxonal dystrophy (NBIA2A). Also called: NEURODEGENERATION WITH BRAIN IRON ACCUMULATION 2A; SEITELBERGER DISEASE; Infantile neuroaxonal dystrophy 1. Identifiers: Orphanet 35069, MedGen C0270724, MONDO:0024457, OMIM 256600.

Allele frequency attached by ClinVar (database versions not stated): gnomAD 0.00001; ExAC 0.00008; TOPMed 0.00001; ESP Exome Variant Server 0.00008; gnomAD exomes 0.00001.
gnomAD v4.1: 13 of 1,587,426 alleles (0.00082%); highest among the groups gnomAD compares: Admixed American, 0.018%; no homozygotes.

Submission:

Labcorp Genetics (formerly Invitae), Labcorp
Classification: Uncertain significance for Infantile neuroaxonal dystrophy. Last evaluated: 2022-02-19. Review status: criteria provided, single submitter. Criteria: Invitae Variant Classification Sherloc (09022015). Collection method: clinical testing. Allele origin: germline.
Comment: This sequence change replaces glycine, which is neutral and non-polar, with arginine, which is basic and polar, at codon 266 of the PLA2G6 protein (p.Gly266Arg). This variant is present in population databases (rs146865427, gnomAD 0.02%). This variant has not been reported in the literature in individuals affected with PLA2G6-related conditions. Algorithms developed to predict the effect of missense changes on protein structure and function are either unavailable or do not agree on the potential impact of this missense change (SIFT: "Tolerated"; PolyPhen-2: "Possibly Damaging"; Align-GVGD: "Class C0"). In summary, the available evidence is currently insufficient to determine the role of this variant in disease. Therefore, it has been classified as a Variant of Uncertain Significance.

NM_003560.4(PLA2G6):c.796G>A (p.Gly266Arg)

Gene: PLA2G6 (phospholipase A2 group VI; minus strand). Cytogenetic location: 22q13.1.
Variant type: single nucleotide variant.
Coding change: c.796G>A on transcript NM_003560.4 (MANE Select); coding-DNA position 796, G replaced by A.
Protein change: p.Gly266Arg; replaces glycine 266 with arginine.
Molecular consequence: missense variant. On other transcripts: intron variant (1).
Genome position (GRCh38, 1-based): chr22:38,139,983, C>T on the plus strand (G>A on the coding strand, the complement: PLA2G6 is on the minus strand). VCF-style: chr22-38139983-C-T. GRCh37 (hg19) VCF-style: chr22-38535990-C-T.
Other names: c.796G>A, p.Gly266Arg (NM_001004426.3, NM_001199562.3, NM_001349864.2 and 2 more transcripts); c.262G>A, p.Gly88Arg (NM_001349867.2, NM_001349869.2); c.119+3122G>A (NM_001349868.2); short protein forms G266R, G88R.
Identifiers: ClinVar variation 2197522 (VCV002197522.1), dbSNP rs146865427, ClinGen allele CA10231158.